The following is an entry in ClinVar:

ClinVar aggregate classification (germline): Benign. Review status: criteria provided, multiple submitters, no conflicts (2 of 4 stars). 21 submissions from 17 submitters: Benign (17). 4 of the submissions do not count toward it. Last evaluated 2026-02-04.

Conditions:
Central core myopathy (CMYO1A). Also called: CONGENITAL MYOPATHY 1A, AUTOSOMAL DOMINANT, WITH SUSCEPTIBILITY TO MALIGNANT HYPERTHERMIA; Central core disease; Myopathy, central fibrillar. Identifiers: Orphanet 597, MedGen C5830701, MONDO:0007294, OMIM 117000.
Malignant hyperthermia, susceptibility to, 1 (MHS1). Also called: Malignant hyperthermia suceptibility 1; Anesthesia related hyperthermia; Malignant hyperpyrexia; Fulminating hyperpyrexia; Pharmacogenic myopathy; RYR1-Related Malignant Hyperthermia Susceptibility. Identifiers: Orphanet 423, MedGen C2930980, MONDO:0007783, OMIM 145600.
Congenital multicore myopathy with external ophthalmoplegia (CMYO1B). Also called: MULTIMINICORE DISEASE WITH EXTERNAL OPHTHALMOPLEGIA; MULTICORE MYOPATHY; Minicore myopathy with external ophthalmoplegia; Congenital myopathy 1B, autosomal recessive; Minicore myopathy. Identifiers: Orphanet 598, Orphanet 98905, MedGen C1850674, MONDO:0009712, OMIM 255320, HP:0003789.
King Denborough syndrome (KDS). Identifiers: MedGen C1840365, MONDO:0020485, OMIM 619542.
Congenital myopathy with fiber type disproportion. Also called: Congenital fiber-type disproportion myopathy; Congenital fiber-type disproportion. Identifiers: Orphanet 2020, MedGen C0546264, MONDO:0009711. Inheritance: all.
RYR1-related disorder. Also called: RYR1-related condition; RYR1-related disorders. Identifiers: MedGen CN239331.

Allele frequency attached by ClinVar (database versions not stated): gnomAD exomes 0.27504 and 0.32136; ESP Exome Variant Server 0.30863; gnomAD 0.32159 and 0.32651; ExAC 0.32427; TOPMed 0.33268; 1000 Genomes Project 30x 0.40256; 1000 Genomes Project 0.40615.
gnomAD v4.1: 452,719 of 1,613,554 alleles (28%); highest among the groups gnomAD compares: South Asian, 45%; 67,570 homozygotes.

Submissions (21):

Labcorp Genetics (formerly Invitae), Labcorp
Classification: Benign for RYR1-related disorder. Last evaluated: 2026-02-04. Review status: criteria provided, single submitter. Criteria: Invitae Variant Classification Sherloc (09022015). Collection method: clinical testing. Allele origin: germline.

Blueprint Genetics
Classification: Benign. Last evaluated: 2024-11-28. Review status: criteria provided, single submitter. Criteria: ACMG Guidelines, 2015. Collection method: clinical testing. Allele origin: germline.

Genome-Nilou Lab
Classification: Benign for Central core myopathy. Last evaluated: 2021-11-07. Review status: criteria provided, single submitter. Criteria: ACMG Guidelines, 2015. Collection method: clinical testing. Allele origin: germline. Affected: no.

Genome-Nilou Lab
Classification: Benign for King Denborough syndrome. Last evaluated: 2021-11-07. Review status: criteria provided, single submitter. Criteria: ACMG Guidelines, 2015. Collection method: clinical testing. Allele origin: germline. Affected: no.

Genome-Nilou Lab
Classification: Benign for Congenital multicore myopathy with external ophthalmoplegia. Last evaluated: 2021-11-07. Review status: criteria provided, single submitter. Criteria: ACMG Guidelines, 2015. Collection method: clinical testing. Allele origin: germline. Affected: no.

Fulgent Genetics
Classification: Benign for Central core myopathy; Malignant hyperthermia, susceptibility to, 1; Congenital myopathy 4A, autosomal dominant; Congenital multicore myopathy with external ophthalmoplegia; King Denborough syndrome. Last evaluated: 2021-07-15. Review status: criteria provided, single submitter. Criteria: ACMG Guidelines, 2015. Collection method: clinical testing. Allele origin: unknown.

Color Diagnostics, LLC DBA Color Health
Classification: Benign for Malignant hyperthermia, susceptibility to, 1. Last evaluated: 2019-03-28. Review status: criteria provided, single submitter. Criteria: ACMG Guidelines, 2015. Collection method: clinical testing. Allele origin: germline.

PreventionGenetics, part of Exact Sciences
Classification: Benign. Last evaluated: 2018-04-03. Review status: criteria provided, single submitter. Criteria: ACMG Guidelines, 2015. Collection method: clinical testing. Allele origin: germline.

Illumina Laboratory Services, Illumina
Classification: Benign for Malignant hyperthermia, susceptibility to, 1. Last evaluated: 2018-01-13. Review status: criteria provided, single submitter. Criteria: ICSL Variant Classification Criteria 13 December 2019. Collection method: clinical testing. Allele origin: germline.
Comment: This variant was observed in the ICSL laboratory as part of a predisposition screen in an ostensibly healthy population. It had not been previously curated by ICSL or reported in the Human Gene Mutation Database (HGMD: prior to June 1st, 2018), and was therefore a candidate for classification through an automated scoring system. Utilizing variant allele frequency, disease prevalence and penetrance estimates, and inheritance mode, an automated score was calculated to assess if this variant is too frequent to cause the disease. Based on the score and internal cut-off values, a variant classified as benign is not then subjected to further curation. The score for this variant resulted in a classification of benign for this disease.

Illumina Laboratory Services, Illumina
Classification: Benign for Central core myopathy. Last evaluated: 2018-01-13. Review status: criteria provided, single submitter. Criteria: ICSL Variant Classification Criteria 13 December 2019. Collection method: clinical testing. Allele origin: germline.
Comment: the same text as in the submission from Illumina Laboratory Services, Illumina above.

Illumina Laboratory Services, Illumina
Classification: Benign for Congenital multicore myopathy with external ophthalmoplegia. Last evaluated: 2018-01-13. Review status: criteria provided, single submitter. Criteria: ICSL Variant Classification Criteria 13 December 2019. Collection method: clinical testing. Allele origin: germline.
Comment: the same text as in the submission from Illumina Laboratory Services, Illumina above.

Mayo Clinic Laboratories, Mayo Clinic
Classification: Benign. Last evaluated: 2017-10-02. Review status: criteria provided, single submitter. Criteria: ACMG Guidelines, 2015. Collection method: clinical testing. Allele origin: germline. Observed: 401 variant alleles.

GeneDx
Classification: Benign. Last evaluated: 2016-01-25. Review status: criteria provided, single submitter. Criteria: GeneDx Variant Classification (06012015). Collection method: clinical testing. Allele origin: germline. Affected: yes.
Comment: This variant is considered likely benign or benign based on one or more of the following criteria: it is a conservative change, it occurs at a poorly conserved position in the protein, it is predicted to be benign by multiple in silico algorithms, and/or has population frequency not consistent with disease.

Laboratory for Molecular Medicine, Mass General Brigham Personalized Medicine
Classification: Benign. Last evaluated: 2015-01-13. Review status: criteria provided, single submitter. Criteria: LMM Criteria. Collection method: clinical testing. Allele origin: germline. Observed: 4 variant alleles.
Comment: c.8693-10G>C in intron 56 of RYR1: This variant is not expected to have clinical significance because it has been identified in 42.6% (1877/4406) of African Ame rican chromosomes from a broad population by the NHLBI Exome Sequencing Project (dbSNP rs2915958).

Eurofins Ntd Llc (ga)
Classification: Benign. Last evaluated: 2014-06-06. Review status: criteria provided, single submitter. Criteria: EGL Classification Definitions 2015. Collection method: clinical testing. Allele origin: germline. Observed: 26 variant alleles, 24 heterozygotes, 2 homozygotes.

Genetic Services Laboratory, University of Chicago
Classification: Benign. Last evaluated: 2013-02-08. Review status: criteria provided, single submitter. Criteria: ACMG Guidelines, 2007. Collection method: clinical testing. Allele origin: germline. Inheritance: Autosomal unknown.

Breakthrough Genomics
Classification: Benign. Review status: criteria provided, single submitter. Criteria: ACMG Guidelines, 2015. Collection method: not provided. Allele origin: germline. Inheritance: Autosomal recessive inheritance. Affected: yes.

Clinical Genetics, Academic Medical Center
Classification: Benign. Review status: no assertion criteria provided. Collection method: clinical testing. Allele origin: germline. Affected: yes. Study: VKGL Data-share Consensus. Not counted in ClinVar's aggregate classification.

Department of Pathology and Laboratory Medicine, Sinai Health System
Classification: Uncertain significance. Review status: no assertion criteria provided. Collection method: clinical testing. Allele origin: unknown. Affected: yes. Study: The Canadian Open Genetics Repository (COGR). Not counted in ClinVar's aggregate classification.
Comment: Allele frequency is common in at least one population database (frequency: 45.816% in gnomAD_Exomes) based on the frequency threshold of 2.223% for this gene. Variant was observed in a homozygous state in population databases more than expected for disease. 9 reputable source/s reports the variant as benign, but the evidence is not available to the laboratory to perform an independent evaluation.

Joint Genome Diagnostic Labs from Nijmegen and Maastricht, Radboudumc and MUMC+
Classification: Benign. Review status: no assertion criteria provided. Collection method: clinical testing. Allele origin: germline. Affected: yes. Study: VKGL Data-share Consensus. Not counted in ClinVar's aggregate classification.

RYR1 database
No classification provided. Review status: no classification provided. Collection method: not provided. Allele origin: unknown. Not counted in ClinVar's aggregate classification.

NM_000540.3(RYR1):c.8693-10G>C

Gene: RYR1 (ryanodine receptor 1; plus strand). Cytogenetic location: 19q13.2.
Variant type: single nucleotide variant.
Coding change: c.8693-10G>C on transcript NM_000540.3 (MANE Select); 10 bases into the intron before coding-DNA position 8693, G replaced by C.
Molecular consequence: intron variant.
Genome position (GRCh38, 1-based): chr19:38,506,819, G>C. VCF-style: chr19-38506819-G-C. GRCh37 (hg19) VCF-style: chr19-38997459-G-C.
Other names: p.?; c.8693-10G>C (NM_001042723.2).
Identifiers: ClinVar variation 93302 (VCV000093302.37), dbSNP rs2915958, ClinGen allele CA024942.